The following is an entry in ClinVar:

ClinVar aggregate classification (germline): Conflicting classifications of pathogenicity. Review status: criteria provided, conflicting classifications (1 of 4 stars). 4 submissions from 4 submitters: Uncertain significance (2); Likely benign (1). 1 of the submissions does not count toward it. Last evaluated 2025-07-27.

Conditions:
DNAH5-related disorder. Also called: DNAH5-related condition.
Primary ciliary dyskinesia. Also called: Ciliary dyskinesia. Identifiers: Orphanet 244, MedGen C0008780, MONDO:0016575, HP:0012265.
Primary ciliary dyskinesia 3. Identifiers: Orphanet 244, MedGen C1837618, MONDO:0012085, OMIM 608644.

Allele frequency attached by ClinVar (database versions not stated): gnomAD 0.00048 and 0.00044; gnomAD exomes 0.00003; ExAC 0.00010; 1000 Genomes Project 0.00020; 1000 Genomes Project 30x 0.00031; ESP Exome Variant Server 0.00031; TOPMed 0.00039.
gnomAD v4.1: 113 of 1,614,070 alleles (0.007%); highest among the groups gnomAD compares: African/African-American, 0.13%; 1 homozygote.

Submissions (4):

Labcorp Genetics (formerly Invitae), Labcorp
Classification: Likely benign for Primary ciliary dyskinesia. Last evaluated: 2025-07-27. Review status: criteria provided, single submitter. Criteria: Invitae Variant Classification Sherloc (09022015). Collection method: clinical testing. Allele origin: germline.

Johns Hopkins Genomics, Johns Hopkins University
Classification: Uncertain significance for Primary ciliary dyskinesia 3. Last evaluated: 2023-10-16. Review status: criteria provided, single submitter. Criteria: ACMG Guidelines, 2015. Collection method: clinical testing. Allele origin: germline.
Comment: This DNAH5 missense variant (rs143745645) is rare (<0.1%) in a large population dataset (gnomAD v2.1.1: 42/281584 total alleles; 0.015%; 1 homozygote). It has been reported in ClinVar (Variation ID 903684), but has not been reported in the literature, to our knowledge. Two bioinformatic tools queried predict that this substitution would be tolerated, and the leucine residue at this position is evolutionarily conserved across many of the species assessed5. We consider the clinical significance of c.1882T>G in DNAH5 to be uncertain at this time.

Illumina Laboratory Services, Illumina
Classification: Uncertain significance for Primary ciliary dyskinesia 3. Last evaluated: 2018-01-13. Review status: criteria provided, single submitter. Criteria: ICSL Variant Classification Criteria 13 December 2019. Collection method: clinical testing. Allele origin: germline.

PreventionGenetics, part of Exact Sciences
Classification: Likely benign for DNAH5-related condition. Last evaluated: 2022-03-07. Review status: no assertion criteria provided. Collection method: clinical testing. Allele origin: germline. Not counted in ClinVar's aggregate classification.
Comment: This variant is classified as likely benign based on ACMG/AMP sequence variant interpretation guidelines (Richards et al. 2015 PMID: 25741868, with internal and published modifications).

NM_001369.3(DNAH5):c.1882T>G (p.Leu628Val)

Gene: DNAH5 (dynein axonemal heavy chain 5; minus strand). Cytogenetic location: 5p15.2.
Variant type: single nucleotide variant.
Coding change: c.1882T>G on transcript NM_001369.3 (MANE Select); coding-DNA position 1882, T replaced by G.
Protein change: p.Leu628Val; replaces leucine 628 with valine.
Molecular consequence: missense variant.
Genome position (GRCh38, 1-based): chr5:13,901,422, A>C on the plus strand (T>G on the coding strand, the complement: DNAH5 is on the minus strand). VCF-style: chr5-13901422-A-C. GRCh37 (hg19) VCF-style: chr5-13901531-A-C.
Other names: short protein forms L628V.
Identifiers: ClinVar variation 903684 (VCV000903684.13), dbSNP rs143745645, ClinGen allele CA3204723.